The following is an entry in ClinVar:

ClinVar aggregate classification (germline): Pathogenic (1 of 4 stars; one submission).

Conditions:
Familial hemophagocytic lymphohistiocytosis 3 (FHL3). Also called: UNC13D-Related Familial Hemophagocytic Lymphohistiocytosis (UNC13D-fHLH). Identifiers: Orphanet 540, MedGen C1837174, MONDO:0012146, OMIM 608898.

Submission:

Labcorp Genetics (formerly Invitae), Labcorp
Classification: Pathogenic for Familial hemophagocytic lymphohistiocytosis 3. Last evaluated: 2019-11-16. Review status: criteria provided, single submitter. Criteria: Invitae Variant Classification Sherloc (09022015). Collection method: clinical testing. Allele origin: germline.
Comment: This sequence change creates a premature translational stop signal (p.Cys136Trpfs*7) in the UNC13D gene. It is expected to result in an absent or disrupted protein product. This variant is not present in population databases (ExAC no frequency). This variant has not been reported in the literature in individuals with UNC13D-related conditions. Loss-of-function variants in UNC13D are known to be pathogenic (PMID: 14622600). For these reasons, this variant has been classified as Pathogenic.

NM_199242.3(UNC13D):c.408_414del (p.Cys136fs)

Gene: UNC13D (unc-13 homolog D; minus strand). Cytogenetic location: 17q25.1.
Variant type: Deletion.
Coding change: c.408_414del on transcript NM_199242.3 (MANE Select); coding-DNA positions 408 to 414, 7 bases deleted (CCTGCTG; older notation c.408_414delCCTGCTG).
Protein change: p.Cys136fs; shifts the reading frame from cysteine 136.
Molecular consequence: frameshift variant.
Genome position (GRCh38, 1-based): chr17:75,842,588-75,842,594, CAGCAGG deleted on the plus strand (CCTGCTG on the coding strand, the reverse complement: UNC13D is on the minus strand); deleting any 7 consecutive bases within chr17:75,842,588-75,842,597 gives the same sequence; the c. name uses the placement nearest the transcript's 3' end. VCF-style (leftmost placement, unchanged base first): chr17-75842587-CCAGCAGG-C. GRCh37 (hg19) VCF-style: chr17-73838668-CCAGCAGG-C.
Other names: short protein forms C136fs.
Identifiers: ClinVar variation 966327 (VCV000966327.1), dbSNP rs2064957038, ClinGen allele CA1139665882.